The following is an entry in ClinVar:

NM_018130.3(SHQ1):c.484C>T (p.Gln162Ter)

Gene: SHQ1 (SHQ1, H/ACA ribonucleoprotein assembly factor; minus strand). Cytogenetic location: 3p13.
Variant type: single nucleotide variant.
Coding change: c.484C>T on transcript NM_018130.3 (MANE Select); coding-DNA position 484, C replaced by T.
Protein change: p.Gln162Ter; replaces glutamine 162 with a stop codon.
Molecular consequence: nonsense.
Genome position (GRCh38, 1-based): chr3:72,841,047, G>A on the plus strand (C>T on the coding strand, the complement: SHQ1 is on the minus strand). VCF-style: chr3-72841047-G-A. GRCh37 (hg19) VCF-style: chr3-72890198-G-A.
Other names: short protein forms Q162*.
Identifiers: ClinVar variation 5006695 (VCV005006695.2).

ClinVar aggregate classification (germline): Uncertain significance (1 of 4 stars; one submission).

Conditions:
Dystonia 35, childhood-onset (DYT35). Identifiers: MedGen C5677003, MONDO:0030958, OMIM 619921.
Neurodevelopmental disorder with dystonia and seizures (NEDDS). Identifiers: MedGen C5677004, MONDO:0859258, OMIM 619922.

Submission:

Juno Genomics, Hangzhou Juno Genomics, Inc
Classification: Uncertain significance for Dystonia 35, childhood-onset; Neurodevelopmental disorder with dystonia and seizures. Review status: criteria provided, single submitter. Criteria: ACMG Guidelines, 2015. Collection method: clinical testing. Allele origin: germline.
Comment: Absent from controls (or at extremely low frequency if recessive) in Genome Aggregation Database.